The following is an entry in ClinVar:

ClinVar aggregate classification (germline): Uncertain significance (1 of 4 stars; one submission).

Allele frequency attached by ClinVar (database versions not stated): TOPMed below 0.00001; gnomAD 0.00001.
gnomAD v4.1: 1 of 1,610,384 alleles (0.000062%); highest among the groups gnomAD compares: Admixed American, 0.0017%; no homozygotes.

Submission:

Labcorp Genetics (formerly Invitae), Labcorp
Classification: Uncertain significance. Last evaluated: 2023-06-02. Review status: criteria provided, single submitter. Criteria: Invitae Variant Classification Sherloc (09022015). Collection method: clinical testing. Allele origin: germline.
Comment: In summary, the available evidence is currently insufficient to determine the role of this variant in disease. Therefore, it has been classified as a Variant of Uncertain Significance. Advanced modeling of protein sequence and biophysical properties (such as structural, functional, and spatial information, amino acid conservation, physicochemical variation, residue mobility, and thermodynamic stability) performed at Invitae indicates that this missense variant is not expected to disrupt ADGRV1 protein function. ClinVar contains an entry for this variant (Variation ID: 1369958). This variant has not been reported in the literature in individuals affected with ADGRV1-related conditions. This variant is not present in population databases (gnomAD no frequency). This sequence change replaces asparagine, which is neutral and polar, with aspartic acid, which is acidic and polar, at codon 3833 of the ADGRV1 protein (p.Asn3833Asp).

NM_032119.4(ADGRV1):c.11497A>G (p.Asn3833Asp)

Gene: ADGRV1 (adhesion G protein-coupled receptor V1; plus strand). Cytogenetic location: 5q14.3.
Variant type: single nucleotide variant.
Coding change: c.11497A>G on transcript NM_032119.4 (MANE Select); coding-DNA position 11497, A replaced by G.
Protein change: p.Asn3833Asp; replaces asparagine 3833 with aspartic acid.
Molecular consequence: missense variant. On other transcripts: non-coding transcript variant (1).
Genome position (GRCh38, 1-based): chr5:90,755,102, A>G. VCF-style: chr5-90755102-A-G. GRCh37 (hg19) VCF-style: chr5-90050919-A-G.
Other names: short protein forms N3833D.
Identifiers: ClinVar variation 1369958 (VCV001369958.6), dbSNP rs1755689477, ClinGen allele CA360366916.